The following is an entry in ClinVar:

ClinVar aggregate classification (germline): Benign. Review status: criteria provided, multiple submitters, no conflicts (2 of 4 stars). 4 submissions from 2 submitters: Benign (4). Last evaluated 2018-01-12.

Conditions:
Leigh syndrome (NULS). Also called: Subacute necrotizing encephalopathy; Necrotizing encephalopathy infantile subacute of Leigh; Leigh's syndrome; Leigh Disease; Leigh's necrotizing encephalopathy; Leigh's disease. Identifiers: Orphanet 506, MedGen C2931891, MONDO:0009723, OMIM 256000.
Pyruvate dehydrogenase complex deficiency (PDHC). Also called: Pyruvate dehydrogenase deficiency; Ataxia with lactic acidosis 1; PYRUVATE DECARBOXYLASE DEFICIENCY; PDH DEFICIENCY; Pyruvate Dehydrogenase Complex Deficiency Disease. Identifiers: Orphanet 765, Orphanet 79243, MedGen C0034345, MONDO:0019169.
Pyruvate dehydrogenase E3 deficiency (DLDD). Also called: Lipoamide dehydrogenase deficiency, lactic acidosis due to; Lipoamide dehydrogenase deficiency; Dihydrolipoamide Dehydrogenase (E3) Deficiency; MAPLE SYRUP URINE DISEASE, TYPE III; DLD DEFICIENCY; E3 DEFICIENCY. Identifiers: Orphanet 2394, Orphanet 765, MedGen C5574660, MONDO:0009529, OMIM 246900.

Allele frequency attached by ClinVar (database versions not stated): gnomAD 0.65719 and 0.65906; TOPMed 0.66432; 1000 Genomes Project 0.71066; 1000 Genomes Project 30x 0.71237; gnomAD exomes 0.60749.
gnomAD v4.1: 297,281 of 476,566 alleles (62%); highest among the groups gnomAD compares: East Asian, 86%; 94,588 homozygotes.

Submissions (4):

Illumina Laboratory Services, Illumina
Classification: Benign for Pyruvate dehydrogenase E3 deficiency. Last evaluated: 2018-01-12. Review status: criteria provided, single submitter. Criteria: ICSL Variant Classification Criteria 13 December 2019. Collection method: clinical testing. Allele origin: germline.
Comment: This variant was observed in the ICSL laboratory as part of a predisposition screen in an ostensibly healthy population. It had not been previously curated by ICSL or reported in the Human Gene Mutation Database (HGMD: prior to June 1st, 2018), and was therefore a candidate for classification through an automated scoring system. Utilizing variant allele frequency, disease prevalence and penetrance estimates, and inheritance mode, an automated score was calculated to assess if this variant is too frequent to cause the disease. Based on the score and internal cut-off values, a variant classified as benign is not then subjected to further curation. The score for this variant resulted in a classification of benign for this disease.

Illumina Laboratory Services, Illumina
Classification: Benign for Pyruvate dehydrogenase complex deficiency. Last evaluated: 2018-01-12. Review status: criteria provided, single submitter. Criteria: ICSL Variant Classification Criteria 13 December 2019. Collection method: clinical testing. Allele origin: germline.
Comment: the same text as in the submission from Illumina Laboratory Services, Illumina above.

Illumina Laboratory Services, Illumina
Classification: Benign for Leigh syndrome. Last evaluated: 2018-01-12. Review status: criteria provided, single submitter. Criteria: ICSL Variant Classification Criteria 13 December 2019. Collection method: clinical testing. Allele origin: germline.
Comment: the same text as in the submission from Illumina Laboratory Services, Illumina above.

Breakthrough Genomics
Classification: Benign. Review status: criteria provided, single submitter. Criteria: ACMG Guidelines, 2015. Collection method: not provided. Allele origin: germline. Inheritance: Autosomal recessive inheritance. Affected: yes.

NM_000108.5(DLD):c.*207G>A

Gene: DLD (dihydrolipoamide dehydrogenase; plus strand). Cytogenetic location: 7q31.1.
Variant type: single nucleotide variant.
Coding change: c.*207G>A on transcript NM_000108.5 (MANE Select); 207 bases downstream of the stop codon, G replaced by A.
Molecular consequence: 3 prime UTR variant.
Genome position (GRCh38, 1-based): chr7:107,919,466, G>A. VCF-style: chr7-107919466-G-A. GRCh37 (hg19) VCF-style: chr7-107559911-G-A.
Other names: c.*207G>A (NM_001289750.1, NM_001289751.1, NM_001289752.1).
Identifiers: ClinVar variation 358575 (VCV000358575.6), dbSNP rs4564, ClinGen allele CA10627979.